The following is an entry in ClinVar:

ClinVar aggregate classification (germline): Pathogenic (1 of 4 stars; one submission).

Allele frequency attached by ClinVar (database versions not stated): gnomAD exomes below 0.00001; TOPMed 0.00001.

Submission:

Labcorp Genetics (formerly Invitae), Labcorp
Classification: Pathogenic. Last evaluated: 2023-11-06. Review status: criteria provided, single submitter. Criteria: Invitae Variant Classification Sherloc (09022015). Collection method: clinical testing. Allele origin: germline.
Comment: This sequence change creates a premature translational stop signal (p.Thr166Asnfs*21) in the ASNS gene. It is expected to result in an absent or disrupted protein product. Loss-of-function variants in ASNS are known to be pathogenic (PMID: 27422383, 30057589). This variant is present in population databases (no rsID available, gnomAD 0.0009%). This variant has not been reported in the literature in individuals affected with ASNS-related conditions. For these reasons, this variant has been classified as Pathogenic.

Literature cited by the submitters: PubMed 27422383; PubMed 30057589.

NM_001673.5(ASNS):c.496dup (p.Thr166fs)

Genes: ASNS (asparagine synthetase (glutamine-hydrolyzing); minus strand), CZ1P-ASNS (CZ1P-ASNS readthrough; minus strand). Cytogenetic location: 7q21.3.
Variant type: Duplication.
Coding change: c.496dup on transcript NM_001673.5 (MANE Select); coding-DNA position 496, one base duplicated (A; older notation c.496dupA).
Protein change: p.Thr166fs; shifts the reading frame from threonine 166.
Molecular consequence: frameshift variant. On other transcripts: non-coding transcript variant (1).
Genome position (GRCh38, 1-based): chr7:97,859,390, T duplicated on the plus strand (A on the coding strand, the reverse complement: ASNS is on the minus strand). VCF-style (leftmost placement, unchanged base first): chr7-97859389-G-GT. GRCh37 (hg19) VCF-style: chr7-97488701-G-GT.
Other names: c.433dup, p.Thr145fs (NM_001178075.2); c.247dup, p.Thr83fs (NM_001178076.2, NM_001178077.1); c.496dup, p.Thr166fs (NM_001352496.2, NM_133436.3, NM_183356.4); short protein forms T166fs, T83fs, T145fs.
Identifiers: ClinVar variation 2857918 (VCV002857918.3), dbSNP rs1421192810, ClinGen allele CA576362480.